The following is an entry in ClinVar:

NM_004385.5(VCAN):c.8527A>C (p.Ile2843Leu)

Genes: VCAN (versican; plus strand), VCAN-AS1 (VCAN antisense RNA 1; minus strand). Cytogenetic location: 5q14.3.
Variant type: single nucleotide variant.
Coding change: c.8527A>C on transcript NM_004385.5 (MANE Select); coding-DNA position 8527, A replaced by C.
Protein change: p.Ile2843Leu; replaces isoleucine 2843 with leucine.
Molecular consequence: missense variant. On other transcripts: intron variant (2).
Genome position (GRCh38, 1-based): chr5:83,541,530, A>C. VCF-style: chr5-83541530-A-C. GRCh37 (hg19) VCF-style: chr5-82837349-A-C.
Other names: c.5566A>C, p.Ile1856Leu (NM_001164097.2); c.4004-4007A>C (NM_001164098.2); c.1043-4007A>C (NM_001126336.3); short protein forms I1856L, I2843L.
Identifiers: ClinVar variation 4735520 (VCV004735520.1).
Genomic context (GRCh38, chr5:83,541,530, plus strand): 5'-CAGACACCATCATCTCCCCTCACTATCTACTCAGGCAGTGAAGCCTCTGGACACACAGAG[A>C]TCCCCCAGCCCAGTGCTCTGCCAGGAATAGACGTCGGCTCATCTGTAATGTCCCCACAGG-3'
Protein context (NP_004376.2, residues 2833-2853): SGSEASGHTE[Ile2843Leu]PQPSALPGID

ClinVar aggregate classification (germline): Uncertain significance (1 of 4 stars; one submission).

gnomAD v4.1: 1 of 1,613,862 alleles (0.000062%); highest among the groups gnomAD compares: African/African-American, 0.0013%; no homozygotes.

Submission:

Labcorp Genetics (formerly Invitae), Labcorp
Classification: Uncertain significance. Last evaluated: 2026-01-23. Review status: criteria provided, single submitter. Criteria: Invitae Variant Classification Sherloc (09022015). Collection method: clinical testing. Allele origin: germline.
Comment: This sequence change replaces isoleucine, which is neutral and non-polar, with leucine, which is neutral and non-polar, at codon 2843 of the VCAN protein (p.Ile2843Leu). This variant is not present in population databases (gnomAD no frequency). This variant has not been reported in the literature in individuals affected with VCAN-related conditions. An algorithm developed to predict the effect of missense changes on protein structure and function (PolyPhen-2) suggests that this variant is likely to be tolerated. In summary, the available evidence is currently insufficient to determine the role of this variant in disease. Therefore, it has been classified as a Variant of Uncertain Significance.